The following is an entry in ClinVar:

NM_002907.4(RECQL):c.-45-1G>A

Gene: RECQL (RecQ like helicase; minus strand). Cytogenetic location: 12p12.1.
Variant type: single nucleotide variant.
Coding change: c.-45-1G>A on transcript NM_002907.4 (MANE Select); the canonical splice acceptor site of the intron before 45 bases upstream of the start codon, G replaced by A.
Molecular consequence: splice acceptor variant.
Genome position (GRCh38, 1-based): chr12:21,499,616, C>T on the plus strand (G>A on the coding strand, the complement: RECQL is on the minus strand). VCF-style: chr12-21499616-C-T. GRCh37 (hg19) VCF-style: chr12-21652550-C-T.
Other names: c.-45-1G>A (NM_032941.3).
Identifiers: ClinVar variation 801391 (VCV000801391.2), dbSNP rs756434860, ClinGen allele CA915947898.
Genomic context (GRCh38, chr12:21,499,616, plus strand): 5'-TGAAACGGACGCCATTCTTTTTCTTTCCAAATTTGTTTCTAAAATAATCCAAATTTCTTT[C>T]TAAAAATAAAAGCACAACAGTGACAACAAGTTTTTAAAAATAGTACTATTAATGATGTTC-3'

ClinVar aggregate classification (germline): Conflicting classifications of pathogenicity. Review status: criteria provided, conflicting classifications (1 of 4 stars). 2 submissions from 2 submitters: Likely pathogenic (1); Uncertain significance (1). Last evaluated 2026-08-06.

Conditions:
RECON progeroid syndrome (RECON). Identifiers: MedGen C5830504, MONDO:0957266, OMIM 620370.
Hereditary cancer-predisposing syndrome. Also called: Hereditary Cancer Syndrome; Tumor predisposition; Hereditary neoplastic syndrome; Neoplastic Syndromes, Hereditary. Identifiers: Orphanet 140162, MedGen C0027672, MeSH D009386, MONDO:0015356.

gnomAD v4.1: 1 of 1,531,924 alleles (0.000065%); highest among the groups gnomAD compares: Admixed American, 0.0019%; no homozygotes.

Submissions (2):

OLLIN Analises Genomicas, OLLIN
Classification: Uncertain significance for RECON progeroid syndrome. Last evaluated: 2026-08-06. Review status: criteria provided, single submitter. Criteria: ACMG Guidelines 2015 PMID 25741868. Collection method: clinical testing. Allele origin: germline. Inheritance: Autosomal recessive inheritance.
Comment: This variant, located at the canonical splicing site (splice acceptor), has been reported in ClinVar (accession VCV000801391.1) and in gnomAD with an allele frequency of 0.000065%. However, to our knowledge, it has not been reported in the scientific literature. This variant is predicted to disrupt a canonical splice site, potentially leading to exon skipping, mRNA degradation via nonsense-mediated decay (NMD), or production of a truncated protein. According to the currently available evidence, this variant has been classified as uncertain significance (PM2_P, PP3).

Mendelics
Classification: Likely pathogenic for Hereditary cancer-predisposing syndrome. Last evaluated: 2019-05-28. Review status: criteria provided, single submitter. Criteria: Mendelics Assertion Criteria 2017. Collection method: clinical testing. Allele origin: unknown.